The following is an entry in ClinVar:

ClinVar aggregate classification (germline): Uncertain significance (1 of 4 stars; one submission).

Conditions:
Long QT syndrome (LQTS). Identifiers: MedGen C0023976, MeSH D008133, MONDO:0002442. Disease mechanism: loss of function. Inheritance: Various modes of inheritance.

Submission:

Labcorp Genetics (formerly Invitae), Labcorp
Classification: Uncertain significance for Long QT syndrome. Last evaluated: 2024-08-30. Review status: criteria provided, single submitter. Criteria: Invitae Variant Classification Sherloc (09022015). Collection method: clinical testing. Allele origin: germline.
Comment: This sequence change replaces alanine, which is neutral and non-polar, with glycine, which is neutral and non-polar, at codon 367 of the SNTA1 protein (p.Ala367Gly). This variant is not present in population databases (gnomAD no frequency). This variant has not been reported in the literature in individuals affected with SNTA1-related conditions. ClinVar contains an entry for this variant (Variation ID: 1495250). Invitae Evidence Modeling of protein sequence and biophysical properties (such as structural, functional, and spatial information, amino acid conservation, physicochemical variation, residue mobility, and thermodynamic stability) indicates that this missense variant is not expected to disrupt SNTA1 protein function with a negative predictive value of 80%. In summary, the available evidence is currently insufficient to determine the role of this variant in disease. Therefore, it has been classified as a Variant of Uncertain Significance.

NM_003098.3(SNTA1):c.1100C>G (p.Ala367Gly)

Gene: SNTA1 (syntrophin alpha 1; minus strand). Cytogenetic location: 20q11.21.
Variant type: single nucleotide variant.
Coding change: c.1100C>G on transcript NM_003098.3 (MANE Select); coding-DNA position 1100, C replaced by G.
Protein change: p.Ala367Gly; replaces alanine 367 with glycine.
Molecular consequence: missense variant.
Genome position (GRCh38, 1-based): chr20:33,410,272, G>C on the plus strand (C>G on the coding strand, the complement: SNTA1 is on the minus strand). VCF-style: chr20-33410272-G-C. GRCh37 (hg19) VCF-style: chr20-31998078-G-C.
Other names: short protein forms A367G.
Identifiers: ClinVar variation 1495250 (VCV001495250.8), dbSNP rs2146757757, ClinGen allele CA408630749.